The following is an entry in ClinVar:

NM_002734.5(PRKAR1A):c.259C>T (p.Pro87Ser)

Gene: PRKAR1A (protein kinase cAMP-dependent type I regulatory subunit alpha; plus strand). Cytogenetic location: 17q24.2.
Variant type: single nucleotide variant.
Coding change: c.259C>T on transcript NM_002734.5 (MANE Select); coding-DNA position 259, C replaced by T.
Protein change: p.Pro87Ser; replaces proline 87 with serine.
Molecular consequence: missense variant.
Genome position (GRCh38, 1-based): chr17:68,522,837, C>T. VCF-style: chr17-68522837-C-T. GRCh37 (hg19) VCF-style: chr17-66518978-C-T.
Other names: c.259C>T, p.Pro87Ser (NM_001276289.2, NM_001276290.1, NM_001278433.2 and 4 more transcripts); short protein forms P87S.
Identifiers: ClinVar variation 3222764 (VCV003222764.4), dbSNP rs1456959022, ClinGen allele CA400752332.

ClinVar aggregate classification (germline): Uncertain significance. Review status: criteria provided, multiple submitters, no conflicts (2 of 4 stars). 2 submissions from 2 submitters: Uncertain significance (2). Last evaluated 2024-12-30.

Conditions:
Hereditary cancer-predisposing syndrome. Also called: Tumor predisposition; Hereditary neoplastic syndrome; Hereditary Cancer Syndrome; Neoplastic Syndromes, Hereditary. Identifiers: Orphanet 140162, MedGen C0027672, MeSH D009386, MONDO:0015356.
Carney complex, type 1 (CNC1). Also called: CARNEY MYXOMA-ENDOCRINE COMPLEX; CARNEY COMPLEX, TYPE I. Identifiers: Orphanet 1359, MedGen C2607929, MONDO:0008057, OMIM 160980.

Allele frequency attached by ClinVar (database versions not stated): gnomAD exomes below 0.00001.

Submissions (2):

Labcorp Genetics (formerly Invitae), Labcorp
Classification: Uncertain significance for Carney complex, type 1. Last evaluated: 2024-12-30. Review status: criteria provided, single submitter. Criteria: Invitae Variant Classification Sherloc (09022015). Collection method: clinical testing. Allele origin: germline.
Comment: This sequence change replaces proline, which is neutral and non-polar, with serine, which is neutral and polar, at codon 87 of the PRKAR1A protein (p.Pro87Ser). This variant is present in population databases (no rsID available, gnomAD 0.006%). This variant has not been reported in the literature in individuals affected with PRKAR1A-related conditions. ClinVar contains an entry for this variant (Variation ID: 3222764). Invitae Evidence Modeling of protein sequence and biophysical properties (such as structural, functional, and spatial information, amino acid conservation, physicochemical variation, residue mobility, and thermodynamic stability) indicates that this missense variant is not expected to disrupt PRKAR1A protein function with a negative predictive value of 95%. In summary, the available evidence is currently insufficient to determine the role of this variant in disease. Therefore, it has been classified as a Variant of Uncertain Significance.

Ambry Genetics
Classification: Uncertain significance for Hereditary cancer-predisposing syndrome. Last evaluated: 2024-10-09. Review status: criteria provided, single submitter. Criteria: Ambry Variant Classification Scheme 2023. Collection method: clinical testing. Allele origin: germline.